The following is an entry in ClinVar:

NM_001378457.1(DMXL2):c.3268A>G (p.Ile1090Val)

Gene: DMXL2 (Dmx like 2; minus strand). Cytogenetic location: 15q21.2.
Variant type: single nucleotide variant.
Coding change: c.3268A>G on transcript NM_001378457.1 (MANE Select); coding-DNA position 3268, A replaced by G.
Protein change: p.Ile1090Val; replaces isoleucine 1090 with valine.
Molecular consequence: missense variant. On other transcripts: non-coding transcript variant (2), intron variant (2).
Genome position (GRCh38, 1-based): chr15:51,499,956, T>C on the plus strand (A>G on the coding strand, the complement: DMXL2 is on the minus strand). VCF-style: chr15-51499956-T-C. GRCh37 (hg19) VCF-style: chr15-51792153-T-C.
Other names: c.3268A>G, p.Ile1090Val (NM_001174116.3, NM_001378458.1, NM_001378459.1 and 4 more transcripts); c.3028A>G, p.Ile1010Val (NM_001378464.1); c.2764+7178A>G (NM_001378460.1); c.2765-4822A>G (NM_001174117.3); short protein forms I1090V, I1010V.
Identifiers: ClinVar variation 2177063 (VCV002177063.4), dbSNP rs1159069256, ClinGen allele CA392436996.
Genomic context (GRCh38, chr15:51,499,956, plus strand): 5'-CACATTCAAATATACAAACATGCATGGAAAATTCTTTAGAAACAAAACCATTATGGTGGA[T>C]AGGCTGCTTATAAGCCACTGCAAGGCGACCTGTGTATGAACAGCTAACAGCAACTGGTCT-3'
Protein context (NP_001365386.1, residues 1080-1100): GRLAVAYKQP[Ile1090Val]HHNGFVSKEF

ClinVar aggregate classification (germline): Uncertain significance (1 of 4 stars; one submission).

Allele frequency attached by ClinVar (database versions not stated): gnomAD exomes below 0.00001; TOPMed below 0.00001.
gnomAD v4.1: 6 of 1,614,006 alleles (0.00037%); highest among the groups gnomAD compares: South Asian, 0.0044%; no homozygotes.

Submission:

Labcorp Genetics (formerly Invitae), Labcorp
Classification: Uncertain significance. Last evaluated: 2022-05-18. Review status: criteria provided, single submitter. Criteria: Invitae Variant Classification Sherloc (09022015). Collection method: clinical testing. Allele origin: germline.
Comment: This variant is present in population databases (no rsID available, gnomAD 0.003%). This variant has not been reported in the literature in individuals affected with DMXL2-related conditions. Algorithms developed to predict the effect of missense changes on protein structure and function output the following: SIFT: "Tolerated"; PolyPhen-2: "Benign"; Align-GVGD: "Class C0". The valine amino acid residue is found in multiple mammalian species, which suggests that this missense change does not adversely affect protein function. In summary, the available evidence is currently insufficient to determine the role of this variant in disease. Therefore, it has been classified as a Variant of Uncertain Significance. This sequence change replaces isoleucine, which is neutral and non-polar, with valine, which is neutral and non-polar, at codon 1090 of the DMXL2 protein (p.Ile1090Val).